The following is an entry in ClinVar:

NM_013296.5(GPSM2):c.624T>C (p.Leu208=)

Gene: GPSM2 (G protein signaling modulator 2; plus strand). Cytogenetic location: 1p13.3.
Variant type: single nucleotide variant.
Coding change: c.624T>C on transcript NM_013296.5 (MANE Select); coding-DNA position 624, T replaced by C.
Protein change: p.Leu208=; no amino-acid change (leucine 208 retained).
Molecular consequence: synonymous variant.
Genome position (GRCh38, 1-based): chr1:108,898,708, T>C. VCF-style: chr1-108898708-T-C. GRCh37 (hg19) VCF-style: chr1-109441330-T-C.
Other names: c.624T>C, p.Leu208= (NM_001321038.2, NM_001321039.3).
Identifiers: ClinVar variation 517155 (VCV000517155.4), dbSNP rs1553211657, ClinGen allele CA419333369.

ClinVar aggregate classification (germline): Likely benign (1 of 4 stars; one submission).

Allele frequency attached by ClinVar (database versions not stated): gnomAD exomes below 0.00001.

Submission:

Laboratory for Molecular Medicine, Mass General Brigham Personalized Medicine
Classification: Likely benign. Last evaluated: 2016-11-30. Review status: criteria provided, single submitter. Criteria: LMM Criteria. Collection method: clinical testing. Allele origin: germline. Observed: 1 variant allele.
Comment: p.Leu208Leu in exon 6 of GPSM2: This variant is not expected to have clinical si gnificance because it does not alter an amino acid residue and is not located wi thin the splice consensus sequence.